The following is an entry in ClinVar:

ClinVar aggregate classification (germline): Likely benign. Review status: criteria provided, multiple submitters, no conflicts (2 of 4 stars). 3 submissions from 3 submitters: Likely benign (2). 1 of the submissions does not count toward it. Last evaluated 2025-12-09.

Conditions:
POLD1-related polyposis and colorectal cancer syndrome (CRCS10). Also called: Colorectal cancer, susceptibility to, 10; Colorectal cancer 10; COLORECTAL CANCER, SUSCEPTIBILITY TO, ON CHROMOSOME 19q. Identifiers: Orphanet 220460, MedGen C2675481, MONDO:0012953, OMIM 612591.

Allele frequency attached by ClinVar (database versions not stated): gnomAD exomes 0.00001 and 0.00002; gnomAD 0.00003; TOPMed 0.00006.
gnomAD v4.1: 31 of 1,521,474 alleles (0.002%); highest among the groups gnomAD compares: Middle Eastern, 0.018%; no homozygotes.

Submissions (3):

Labcorp Genetics (formerly Invitae), Labcorp
Classification: Likely benign for POLD1-related polyposis and colorectal cancer syndrome. Last evaluated: 2025-12-09. Review status: criteria provided, single submitter. Criteria: Invitae Variant Classification Sherloc (09022015). Collection method: clinical testing. Allele origin: germline.

GeneDx
Classification: Likely benign. Last evaluated: 2016-07-12. Review status: criteria provided, single submitter. Criteria: GeneDx Variant Classification (06012015). Collection method: clinical testing. Allele origin: germline. Affected: yes.
Comment: This variant is considered likely benign or benign based on one or more of the following criteria: it is a conservative change, it occurs at a poorly conserved position in the protein, it is predicted to be benign by multiple in silico algorithms, and/or has population frequency not consistent with disease.

Counsyl
Classification: Likely benign for POLD1-related polyposis and colorectal cancer syndrome. Last evaluated: 2017-02-06. Review status: no assertion criteria provided. Collection method: clinical testing. Allele origin: unknown. Not counted in ClinVar's aggregate classification.

NM_002691.4(POLD1):c.2564+19C>T

Gene: POLD1 (DNA polymerase delta 1, catalytic subunit; plus strand). Cytogenetic location: 19q13.33.
Variant type: single nucleotide variant.
Coding change: c.2564+19C>T on transcript NM_002691.4 (MANE Select); 19 bases into the intron after coding-DNA position 2564, C replaced by T.
Molecular consequence: intron variant.
Genome position (GRCh38, 1-based): chr19:50,415,009, C>T. VCF-style: chr19-50415009-C-T. GRCh37 (hg19) VCF-style: chr19-50918266-C-T.
Other names: c.2642+19C>T (LRG_785t2, NM_001308632.1); c.2564+19C>T (LRG_785t1, NM_001256849.1).
Identifiers: ClinVar variation 387731 (VCV000387731.9), dbSNP rs1057522890, ClinGen allele CA16609024.